The following is an entry in ClinVar:

ClinVar aggregate classification (germline): Uncertain significance (1 of 4 stars; one submission).

Conditions:
Cardiovascular phenotype. Identifiers: MedGen CN230736.

gnomAD v4.1: 2 of 1,549,954 alleles (0.00013%); no homozygotes.

Submission:

Ambry Genetics
Classification: Uncertain significance for Cardiovascular phenotype. Last evaluated: 2023-05-21. Review status: criteria provided, single submitter. Criteria: Ambry Variant Classification Scheme 2023. Collection method: clinical testing. Allele origin: germline.
Comment: The p.G2905D variant (also known as c.8714G>A), located in coding exon 2 of the ZNF469 gene, results from a G to A substitution at nucleotide position 8714. The glycine at codon 2905 is replaced by aspartic acid, an amino acid with similar properties. This amino acid position is conserved. In addition, this alteration is predicted to be tolerated by in silico analysis. Since supporting evidence is limited at this time, the clinical significance of this alteration remains unclear.

NM_001367624.2(ZNF469):c.8798G>A (p.Gly2933Asp)

Gene: ZNF469 (zinc finger protein 469; plus strand). Cytogenetic location: 16q24.2.
Variant type: single nucleotide variant.
Coding change: c.8798G>A on transcript NM_001367624.2 (MANE Select); coding-DNA position 8798, G replaced by A.
Protein change: p.Gly2933Asp; replaces glycine 2933 with aspartic acid.
Molecular consequence: missense variant.
Genome position (GRCh38, 1-based): chr16:88,436,268, G>A. VCF-style: chr16-88436268-G-A. GRCh37 (hg19) VCF-style: chr16-88502676-G-A.
Other names: NM_001127464.1:c.8714G>A; short protein forms G2933D.
Identifiers: ClinVar variation 2564259 (VCV002564259.2), dbSNP rs968128983, ClinGen allele CA286384638.